The following is an entry in ClinVar:

ClinVar aggregate classification (germline): Pathogenic (1 of 4 stars; one submission).

Conditions:
Hereditary cancer-predisposing syndrome. Also called: Tumor predisposition; Hereditary Cancer Syndrome; Neoplastic Syndromes, Hereditary; Hereditary neoplastic syndrome. Identifiers: Orphanet 140162, MedGen C0027672, MeSH D009386, MONDO:0015356.

Submission:

Ambry Genetics
Classification: Pathogenic for Hereditary cancer-predisposing syndrome. Last evaluated: 2019-02-22. Review status: criteria provided, single submitter. Criteria: Ambry Variant Classification Scheme 2023. Collection method: clinical testing. Allele origin: germline.
Comment: The p.L370* pathogenic mutation (also known as c.1109T>G), located in coding exon 4 of the MSH6 gene, results from a T to G substitution at nucleotide position 1109. This changes the amino acid from a leucine to a stop codon within coding exon 4. This alteration is expected to result in loss of function by premature protein truncation or nonsense-mediated mRNA decay. As such, this alteration is interpreted as a disease-causing mutation.

NM_000179.3(MSH6):c.1109T>G (p.Leu370Ter)

Gene: MSH6 (mutS homolog 6; plus strand). Cytogenetic location: 2p16.3.
Variant type: single nucleotide variant.
Coding change: c.1109T>G on transcript NM_000179.3 (MANE Select); coding-DNA position 1109, T replaced by G.
Protein change: p.Leu370Ter; replaces leucine 370 with a stop codon.
Molecular consequence: nonsense.
Genome position (GRCh38, 1-based): chr2:47,799,092, T>G. VCF-style: chr2-47799092-T-G. GRCh37 (hg19) VCF-style: chr2-48026231-T-G.
Other names: c.719T>G, p.Leu240Ter (NM_001281492.2); c.203T>G, p.Leu68Ter (NM_001281493.2, NM_001281494.2, NM_001406811.1 and 6 more transcripts); c.1205T>G, p.Leu402Ter (NM_001406795.1, NM_001406802.1); c.1109T>G, p.Leu370Ter (NM_001406796.1, NM_001406798.1, NM_001406800.1 and 4 more transcripts); c.812T>G, p.Leu271Ter (NM_001406797.1, NM_001406801.1, NM_001406805.1 and 10 more transcripts); c.584T>G, p.Leu195Ter (NM_001406799.1, NM_001406806.1, NM_001406807.1); c.1031T>G, p.Leu344Ter (NM_001406804.1); c.1115T>G, p.Leu372Ter (NM_001406813.1); and 1 more; short protein forms L314*, L372*, L68*, L195*, L344*, L370*, L240*, L271*.
Identifiers: ClinVar variation 1794624 (VCV001794624.2), dbSNP rs587779204, ClinGen allele CA346741956.
Genomic context (GRCh38, chr2:47,799,092, plus strand): 5'-CCCACGTTAGTGGAGGTGGTGATGACAGTAGTCGCCCTACTGTTTGGTATCATGAAACTT[T>G]AGAATGGCTTAAGGAGGAAAAGAGAAGAGATGAGCACAGGAGGAGGCCTGATCACCCCGA-3'